The following is an entry in ClinVar:

ClinVar aggregate classification (germline): Likely benign (1 of 4 stars; one submission).

Allele frequency attached by ClinVar (database versions not stated): gnomAD 0.00001; gnomAD exomes 0.00001; TOPMed 0.00001.
gnomAD v4.1: 21 of 1,609,670 alleles (0.0013%); highest among the groups gnomAD compares: Non-Finnish European, 0.0017%; no homozygotes.

Submission:

CeGaT Center for Human Genetics Tuebingen
Classification: Likely benign. Last evaluated: 2022-05-01. Review status: criteria provided, single submitter. Criteria: CeGaT Center For Human Genetics Tuebingen Variant Classification Criteria Version 2. Collection method: clinical testing. Allele origin: germline. Affected: yes. Observed: 1 variant allele.
Comment: SNX29: BP4, BP7

NM_032167.5(SNX29):c.2349C>T (p.Asn783=)

Genes: SNX29 (sorting nexin 29; plus strand), SNX29-AS3 (SNX29 antisense RNA 3; minus strand). Cytogenetic location: 16p13.12.
Variant type: single nucleotide variant.
Coding change: c.2349C>T on transcript NM_032167.5 (MANE Select); coding-DNA position 2349, C replaced by T.
Protein change: p.Asn783=; no amino-acid change (asparagine 783 retained).
Molecular consequence: synonymous variant.
Genome position (GRCh38, 1-based): chr16:12,568,536, C>T. VCF-style: chr16-12568536-C-T. GRCh37 (hg19) VCF-style: chr16-12662393-C-T.
Identifiers: ClinVar variation 2646237 (VCV002646237.24), dbSNP rs1171395797, ClinGen allele CA493688478.
Genomic context (GRCh38, chr16:12,568,536, plus strand): 5'-CTTAACCCGATTCTCTCCCTGCTCTTTCAGCGACATCACCCCGCCCGGAGAGCCTGTGAA[C>T]AGCCGGCCCAAAGCAGCTTCCCGCTTCCCCAAACTGTCCCGGGGTCAGCCCCGGGAGACC-3'
Protein context (NP_115543.3, residues 773-793): VDITPPGEPV[Asn783=]SRPKAASRFP